The following is an entry in ClinVar:

NM_005263.5(GFI1):c.560C>T (p.Ala187Val)

Gene: GFI1 (growth factor independent 1 transcriptional repressor; minus strand). Cytogenetic location: 1p22.1.
Variant type: single nucleotide variant.
Coding change: c.560C>T on transcript NM_005263.5 (MANE Select); coding-DNA position 560, C replaced by T.
Protein change: p.Ala187Val; replaces alanine 187 with valine.
Molecular consequence: missense variant.
Genome position (GRCh38, 1-based): chr1:92,480,827, G>A on the plus strand (C>T on the coding strand, the complement: GFI1 is on the minus strand). VCF-style: chr1-92480827-G-A. GRCh37 (hg19) VCF-style: chr1-92946384-G-A.
Other names: c.560C>T, p.Ala187Val (NM_001127215.3, NM_001127216.3); short protein forms A187V.
Identifiers: ClinVar variation 3519852 (VCV003519852.1).

ClinVar aggregate classification (germline): Uncertain significance (1 of 4 stars; one submission).

Submission:

Ambry Genetics
Classification: Uncertain significance. Last evaluated: 2024-12-08. Review status: criteria provided, single submitter. Criteria: Ambry Variant Classification Scheme 2023. Collection method: clinical testing. Allele origin: germline.
Comment: The p.A187V variant (also known as c.560C>T), located in coding exon 3 of the GFI1 gene, results from a C to T substitution at nucleotide position 560. The alanine at codon 187 is replaced by valine, an amino acid with similar properties. This amino acid position is conserved. In addition, this alteration is predicted to be tolerated by in silico analysis. Based on the available evidence, the clinical significance of this variant remains unclear.